The following is an entry in ClinVar:

ClinVar aggregate classification (germline): Uncertain significance (1 of 4 stars; one submission).

Submission:

Labcorp Genetics (formerly Invitae), Labcorp
Classification: Uncertain significance. Last evaluated: 2022-08-10. Review status: criteria provided, single submitter. Criteria: Invitae Variant Classification Sherloc (09022015). Collection method: clinical testing. Allele origin: germline.
Comment: This sequence change replaces tyrosine, which is neutral and polar, with cysteine, which is neutral and slightly polar, at codon 492 of the FSCN2 protein (p.Tyr492Cys). This variant is not present in population databases (gnomAD no frequency). This variant has not been reported in the literature in individuals affected with FSCN2-related conditions. ClinVar contains an entry for this variant (Variation ID: 1389185). Algorithms developed to predict the effect of missense changes on protein structure and function (SIFT, PolyPhen-2, Align-GVGD) all suggest that this variant is likely to be disruptive. In summary, the available evidence is currently insufficient to determine the role of this variant in disease. Therefore, it has been classified as a Variant of Uncertain Significance.

NM_012418.4(FSCN2):c.1403A>G (p.Tyr468Cys)

Gene: FSCN2 (fascin actin-bundling protein 2, retinal; plus strand). Cytogenetic location: 17q25.3.
Variant type: single nucleotide variant.
Coding change: c.1403A>G on transcript NM_012418.4 (MANE Select); coding-DNA position 1403, A replaced by G.
Protein change: p.Tyr468Cys; replaces tyrosine 468 with cysteine.
Molecular consequence: missense variant.
Genome position (GRCh38, 1-based): chr17:81,537,004, A>G. VCF-style: chr17-81537004-A-G. GRCh37 (hg19) VCF-style: chr17-79504030-A-G.
Other names: c.1475A>G, p.Tyr492Cys (NM_001077182.3); short protein forms Y468C, Y492C.
Identifiers: ClinVar variation 1389185 (VCV001389185.6), dbSNP rs2032908589, ClinGen allele CA401478893.